The following is an entry in ClinVar:

ClinVar aggregate classification (germline): Uncertain significance (1 of 4 stars; one submission).

Conditions:
Hereditary cancer-predisposing syndrome. Also called: Hereditary Cancer Syndrome; Neoplastic Syndromes, Hereditary; Tumor predisposition; Hereditary neoplastic syndrome. Identifiers: Orphanet 140162, MedGen C0027672, MeSH D009386, MONDO:0015356.

Submission:

Ambry Genetics
Classification: Uncertain significance for Hereditary cancer-predisposing syndrome. Last evaluated: 2026-06-25. Review status: criteria provided, single submitter. Criteria: Ambry Variant Classification Scheme 2023. Collection method: clinical testing. Allele origin: germline.
Comment: The p.E421G variant (also known as c.1262A>G), located in coding exon 11 of the EGFR gene, results from an A to G substitution at nucleotide position 1262. The glutamic acid at codon 421 is replaced by glycine, an amino acid with similar properties. This amino acid position is highly conserved in available vertebrate species. In addition, the in silico prediction for this alteration is inconclusive. Based on the available evidence, the clinical significance of this variant remains unclear.

NM_005228.5(EGFR):c.1262A>G (p.Glu421Gly)

Gene: EGFR (epidermal growth factor receptor; plus strand). Cytogenetic location: 7p11.2.
Variant type: single nucleotide variant.
Coding change: c.1262A>G on transcript NM_005228.5 (MANE Select); coding-DNA position 1262, A replaced by G.
Protein change: p.Glu421Gly; replaces glutamic acid 421 with glycine.
Molecular consequence: missense variant.
Genome position (GRCh38, 1-based): chr7:55,157,717, A>G. VCF-style: chr7-55157717-A-G. GRCh37 (hg19) VCF-style: chr7-55225410-A-G.
Other names: c.1127A>G, p.Glu376Gly (NM_001346897.2, NM_001346899.2); c.1262A>G, p.Glu421Gly (NM_001346898.2, NM_201282.2, NM_201284.2); c.1103A>G, p.Glu368Gly (NM_001346900.2); c.461A>G, p.Glu154Gly (NM_001346941.2); short protein forms E154G, E376G, E421G, E368G.
Identifiers: ClinVar variation 5035747 (VCV005035747.1).